The following is an entry in ClinVar:

NM_015338.6(ASXL1):c.1948G>A (p.Gly650Ser)

Gene: ASXL1 (ASXL transcriptional regulator 1; plus strand). Cytogenetic location: 20q11.21.
Variant type: single nucleotide variant.
Coding change: c.1948G>A on transcript NM_015338.6 (MANE Select); coding-DNA position 1948, G replaced by A.
Protein change: p.Gly650Ser; replaces glycine 650 with serine.
Molecular consequence: missense variant.
Genome position (GRCh38, 1-based): chr20:32,434,660, G>A. VCF-style: chr20-32434660-G-A. GRCh37 (hg19) VCF-style: chr20-31022463-G-A.
Other names: c.1765G>A, p.Gly589Ser (NM_001363734.1); short protein forms G589S, G650S.
Identifiers: ClinVar variation 3791901 (VCV003791901.1).

ClinVar aggregate classification (germline): Uncertain significance (1 of 4 stars; one submission).

Conditions:
Inborn genetic diseases. Identifiers: MedGen C0950123, MeSH D030342.

Submission:

Ambry Genetics
Classification: Uncertain significance for Inborn genetic diseases. Last evaluated: 2025-01-05. Review status: criteria provided, single submitter. Criteria: Ambry Variant Classification Scheme 2023. Collection method: clinical testing. Allele origin: germline.
Comment: The p.G650S variant (also known as c.1948G>A), located in coding exon 13 of the ASXL1 gene, results from a G to A substitution at nucleotide position 1948. The glycine at codon 650 is replaced by serine, an amino acid with similar properties. This amino acid position is conserved. In addition, the in silico prediction for this alteration is inconclusive. Based on the available evidence, the clinical significance of this variant remains unclear.